The following is an entry in ClinVar:

ClinVar aggregate classification (germline): Uncertain significance. Review status: criteria provided, multiple submitters, no conflicts (2 of 4 stars). 4 submissions from 4 submitters: Uncertain significance (3). 1 of the submissions does not count toward it. Last evaluated 2025-03-03.

Conditions:
Inborn genetic diseases. Identifiers: MedGen C0950123, MeSH D030342.
VPS13B-related disorder. Also called: VPS13B-related condition.
Cohen syndrome (COH1). Also called: PEPPER SYNDROME; Cutis verticis gyrata, retinitis pigmentosa, and sensorineural deafness. Identifiers: Orphanet 193, MedGen C0265223, MONDO:0008999, OMIM 216550.

Allele frequency attached by ClinVar (database versions not stated): gnomAD 0.00001; TOPMed 0.00003.
gnomAD v4.1: 1 of 1,613,596 alleles (0.000062%); highest among the groups gnomAD compares: Admixed American, 0.0017%; no homozygotes.

Submissions (4):

Ambry Genetics
Classification: Uncertain significance for Inborn genetic diseases. Last evaluated: 2025-03-03. Review status: criteria provided, single submitter. Criteria: Ambry Variant Classification Scheme 2023. Collection method: clinical testing. Allele origin: germline.

Labcorp Genetics (formerly Invitae), Labcorp
Classification: Uncertain significance for Cohen syndrome. Last evaluated: 2022-07-12. Review status: criteria provided, single submitter. Criteria: Invitae Variant Classification Sherloc (09022015). Collection method: clinical testing. Allele origin: germline.
Comment: This sequence change replaces glutamine, which is neutral and polar, with arginine, which is basic and polar, at codon 804 of the VPS13B protein (p.Gln804Arg). This variant is not present in population databases (gnomAD no frequency). This variant has not been reported in the literature in individuals affected with VPS13B-related conditions. Algorithms developed to predict the effect of missense changes on protein structure and function are either unavailable or do not agree on the potential impact of this missense change (SIFT: "Not Available"; PolyPhen-2: "Possibly Damaging"; Align-GVGD: "Not Available"). In summary, the available evidence is currently insufficient to determine the role of this variant in disease. Therefore, it has been classified as a Variant of Uncertain Significance.

Blueprint Genetics
Classification: Uncertain significance. Last evaluated: 2018-07-19. Review status: criteria provided, single submitter. Criteria: ACMG Guidelines, 2015. Collection method: clinical testing. Allele origin: germline.

PreventionGenetics, part of Exact Sciences
Classification: Uncertain significance for VPS13B-related condition. Last evaluated: 2024-04-25. Review status: no assertion criteria provided. Collection method: clinical testing. Allele origin: germline. Not counted in ClinVar's aggregate classification.
Comment: The VPS13B c.2411A>G variant is predicted to result in the amino acid substitution p.Gln804Arg. To our knowledge, this variant has not been reported in the literature or in a large population database, indicating this variant is rare. At this time, the clinical significance of this variant is uncertain due to the absence of conclusive functional and genetic evidence.

NM_152564.5(VPS13B):c.2411A>G (p.Gln804Arg)

Gene: VPS13B (vacuolar protein sorting 13 homolog B; plus strand). Cytogenetic location: 8q22.2.
Variant type: single nucleotide variant.
Coding change: c.2411A>G on transcript NM_152564.5 (MANE Select); coding-DNA position 2411, A replaced by G.
Protein change: p.Gln804Arg; replaces glutamine 804 with arginine.
Molecular consequence: missense variant.
Genome position (GRCh38, 1-based): chr8:99,192,953, A>G. VCF-style: chr8-99192953-A-G. GRCh37 (hg19) VCF-style: chr8-100205181-A-G.
Other names: c.2411A>G, p.Gln804Arg (NM_015243.3, NM_017890.5); short protein forms Q804R.
Identifiers: ClinVar variation 1903065 (VCV001903065.6), dbSNP rs1229393575, ClinGen allele CA371861616.